The following is an entry in ClinVar:

NM_002661.5(PLCG2):c.1501G>T (p.Ala501Ser)

Gene: PLCG2 (phospholipase C gamma 2; plus strand). Cytogenetic location: 16q23.3.
Variant type: single nucleotide variant.
Coding change: c.1501G>T on transcript NM_002661.5 (MANE Select); coding-DNA position 1501, G replaced by T.
Protein change: p.Ala501Ser; replaces alanine 501 with serine.
Molecular consequence: missense variant.
Genome position (GRCh38, 1-based): chr16:81,907,718, G>T. VCF-style: chr16-81907718-G-T. GRCh37 (hg19) VCF-style: chr16-81941323-G-T.
Other names: short protein forms A501S.
Identifiers: ClinVar variation 440157 (VCV000440157.41), dbSNP rs772234560, ClinGen allele CA8193807.

ClinVar aggregate classification (germline): Uncertain significance. Review status: criteria provided, multiple submitters, no conflicts (2 of 4 stars). 3 submissions from 3 submitters: Uncertain significance (3). Last evaluated 2024-02-19.

Conditions:
Familial cold autoinflammatory syndrome 3 (FCAS3). Also called: ANTIBODY DEFICIENCY AND IMMUNE DYSREGULATION, PLCG2-ASSOCIATED; FAMILIAL ATYPICAL COLD URTICARIA. Identifiers: Orphanet 300359, MedGen C3280914, MONDO:0013766, OMIM 614468.

Allele frequency attached by ClinVar (database versions not stated): ExAC 0.00001; gnomAD 0.00001; gnomAD exomes 0.00001; TOPMed 0.00001.
gnomAD v4.1: 14 of 1,613,916 alleles (0.00087%); highest among the groups gnomAD compares: Non-Finnish European, 0.0011%; no homozygotes.

Submissions (3):

Labcorp Genetics (formerly Invitae), Labcorp
Classification: Uncertain significance for Familial cold autoinflammatory syndrome 3. Last evaluated: 2024-02-19. Review status: criteria provided, single submitter. Criteria: Invitae Variant Classification Sherloc (09022015). Collection method: clinical testing. Allele origin: germline.
Comment: This sequence change replaces alanine, which is neutral and non-polar, with serine, which is neutral and polar, at codon 501 of the PLCG2 protein (p.Ala501Ser). This variant is present in population databases (rs772234560, gnomAD 0.002%). This variant has not been reported in the literature in individuals affected with PLCG2-related conditions. ClinVar contains an entry for this variant (Variation ID: 440157). An algorithm developed to predict the effect of missense changes on protein structure and function (PolyPhen-2) suggests that this variant is likely to be tolerated. In summary, the available evidence is currently insufficient to determine the role of this variant in disease. Therefore, it has been classified as a Variant of Uncertain Significance.

CeGaT Center for Human Genetics Tuebingen
Classification: Uncertain significance. Last evaluated: 2023-01-01. Review status: criteria provided, single submitter. Criteria: CeGaT Center For Human Genetics Tuebingen Variant Classification Criteria Version 2. Collection method: clinical testing. Allele origin: germline. Affected: yes. Observed: 1 variant allele.
Comment: PLCG2: PM2, BP4

ARUP Laboratories, Molecular Genetics and Genomics, ARUP Laboratories
Classification: Uncertain significance. Last evaluated: 2016-11-22. Review status: criteria provided, single submitter. Criteria: ARUP Molecular Germline Variant Investigation Process. Collection method: clinical testing. Allele origin: germline.